The following is an entry in ClinVar:

NM_021871.4(FGA):c.365-1G>C

Gene: FGA (fibrinogen alpha chain; minus strand). Cytogenetic location: 4q31.3.
Variant type: single nucleotide variant.
Coding change: c.365-1G>C on transcript NM_021871.4 (MANE Select); the canonical splice acceptor site of the intron before coding-DNA position 365, G replaced by C.
Molecular consequence: splice acceptor variant.
Genome position (GRCh38, 1-based): chr4:154,587,658, C>G on the plus strand (G>C on the coding strand, the complement: FGA is on the minus strand). VCF-style: chr4-154587658-C-G. GRCh37 (hg19) VCF-style: chr4-155508810-C-G.
Other names: c.365-1G>C (NM_000508.5).
Identifiers: ClinVar variation 4293291 (VCV004293291.1).
Genomic context (GRCh38, chr4:154,587,658, plus strand): 5'-TCAGGACTTCAATTCTGCTTCTCAGATCCTCTGACACTCGGTTGTAGGTATTATCACGGT[C>G]TGAAATCGAAAATATGGTTATTGAAGTAGCTGCTGAGTGATTTGTCTGTAATTGCCAGCA-3'

ClinVar aggregate classification (germline): Uncertain significance (1 of 4 stars; one submission).

Conditions:
Familial visceral amyloidosis, Ostertag type (AMYLD2). Also called: Familial visceral amyloidosis; Amyloidosis, hepatic and systemic; AMYLOIDOSIS VIII; Hereditary Renal Amyloidosis; AMYLOIDOSIS, HEREDITARY SYSTEMIC 2; Ostertag type amyloidosis. Identifiers: Orphanet 85450, MedGen C0268389, MONDO:0007099, OMIM 105200.

Submission:

3billion
Classification: Uncertain significance for Familial visceral amyloidosis, Ostertag type. Last evaluated: 2024-06-23. Review status: criteria provided, single submitter. Criteria: ACMG Guidelines, 2015. Collection method: clinical testing. Allele origin: germline. Affected: yes.
Comment: The variant is not observed in the gnomAD v4.0.0 dataset. Predicted Consequence/Location: Canonical splice site: predicted to alter splicing and result in a loss or disruption of normal protein function. Multiple pathogenic loss-of-function variants are reported downstream of the variant. In silico tools predict the variant to alter splicing and produce an abnormal transcript [SpliceAI: 1.00 (spliceogenicity >=0.2, non-spliceogenicity <0.1)]. Therefore, this variant is classified as VUS according to the recommendation of ACMG/AMP guideline.